The following is an entry in ClinVar:

ClinVar aggregate classification (germline): Benign/Likely benign. Review status: criteria provided, multiple submitters, no conflicts (2 of 4 stars). 3 submissions from 3 submitters: Benign (1); Likely benign (2). Last evaluated 2025-05-18.

Conditions:
Familial cancer of breast. Also called: BREAST CANCER, FAMILIAL; Hereditary breast cancer; hereditary breast carcinoma. Identifiers: Orphanet 227535, MedGen C0346153, MONDO:0016419, OMIM 114480. Disease mechanism: loss of function.
Ataxia-telangiectasia syndrome (AT). Also called: Cerebello-oculocutaneous telangiectasia; Immunodeficiency with ataxia telangiectasia; LOUIS-BAR SYNDROME; ATAXIA-TELANGIECTASIA, COMPLEMENTATION GROUP A; ATAXIA-TELANGIECTASIA, FRESNO VARIANT; Ataxia-telangiectasia, complementation group D. Identifiers: Orphanet 100, MedGen C0004135, MONDO:0008840, OMIM 208900.
Hereditary cancer-predisposing syndrome. Also called: Tumor predisposition; Hereditary neoplastic syndrome; Neoplastic Syndromes, Hereditary; Hereditary Cancer Syndrome. Identifiers: Orphanet 140162, MedGen C0027672, MeSH D009386, MONDO:0015356.

Allele frequency attached by ClinVar (database versions not stated): TOPMed below 0.00001; gnomAD 0.00001.
gnomAD v4.1: 1 of 1,613,330 alleles (0.000062%); highest among the groups gnomAD compares: Admixed American, 0.0017%; no homozygotes.

Submissions (3):

Labcorp Genetics (formerly Invitae), Labcorp
Classification: Likely benign for Ataxia-telangiectasia syndrome. Last evaluated: 2025-05-18. Review status: criteria provided, single submitter. Criteria: Invitae Variant Classification Sherloc (09022015). Collection method: clinical testing. Allele origin: germline.

Ambry Genetics
Classification: Likely benign for Hereditary cancer-predisposing syndrome. Last evaluated: 2025-04-12. Review status: criteria provided, single submitter. Criteria: Ambry Variant Classification Scheme 2023. Collection method: clinical testing. Allele origin: germline.

Myriad Genetics, Inc.
Classification: Benign for Familial cancer of breast. Last evaluated: 2024-05-13. Review status: criteria provided, single submitter. Criteria: Myriad Autosomal Dominant, Autosomal Recessive and X-Linked Classification Criteria (2023). Collection method: clinical testing. Allele origin: unknown.
Comment: This variant is considered benign. This variant is a silent/synonymous amino acid change and it is not expected to impact splicing.

NM_000051.4(ATM):c.3099A>G (p.Lys1033=)

Gene: ATM (ATM serine/threonine kinase; plus strand). Cytogenetic location: 11q22.3.
Variant type: single nucleotide variant.
Coding change: c.3099A>G on transcript NM_000051.4 (MANE Select); coding-DNA position 3099, A replaced by G.
Protein change: p.Lys1033=; no amino-acid change (lysine 1033 retained).
Molecular consequence: synonymous variant.
Genome position (GRCh38, 1-based): chr11:108,272,553, A>G. VCF-style: chr11-108272553-A-G. GRCh37 (hg19) VCF-style: chr11-108143280-A-G.
Other names: c.3099A>G, p.Lys1033= (NM_001351834.2); c.3099A>G (NM_000051.3).
Identifiers: ClinVar variation 1382273 (VCV001382273.10), dbSNP rs1813895840, ClinGen allele CA476744755.
Genomic context (GRCh38, chr11:108,272,553, plus strand): 5'-GAATGATTATTTAACTTTGGAAAACTTACTTGATTTCAGGCATCTAACAAAGGAGAGGAA[A>G]TATATATTCTCTGTAAGAATGGCCCTAGTAAATTGCCTTAAAACTTTGCTTGAGGTGAGT-3'
Protein context (NP_000042.3, residues 1023-1043): GAFWHLTKER[Lys1033=]YIFSVRMALV